The following is an entry in ClinVar:

ClinVar aggregate classification (germline): Likely pathogenic. Review status: criteria provided, multiple submitters, no conflicts (2 of 4 stars). 2 submissions from 2 submitters: Likely pathogenic (2). Last evaluated 2024-05-25.

Conditions:
Metatropic dysplasia (MTD). Also called: METATROPIC DWARFISM; Metatropic Dysplasia, TRPV4-Related; Metatropic dysplasia, nonlethal dominant. Identifiers: Orphanet 2635, MedGen C0265281, MONDO:0007986, OMIM 156530.

Submissions (2):

Pediatrics, Institute Of Child Health, Government Medical College Kottayam
Classification: Likely pathogenic for Metatropic dysplasia. Last evaluated: 2024-05-25. Review status: criteria provided, single submitter. Criteria: ACMG Guidelines, 2015. Collection method: clinical testing. Allele origin: de novo. Inheritance: Autosomal dominant inheritance. Affected: yes. Observed: 1 heterozygote.

Hacettepe Genetic Diseases Diagnosis Center, Hacettepe University Faculty of Medicine
Classification: Likely pathogenic for Metatropic dysplasia. Last evaluated: 2020-03-23. Review status: criteria provided, single submitter. Criteria: ACMG Guidelines, 2015. Collection method: clinical testing. Allele origin: de novo. Inheritance: Autosomal dominant inheritance. Affected: yes. Observed: 1 heterozygote.
Comment: The clinical, radiographic, and molecular findings of the patient were consistent with the diagnosis of metatropic dysplasia. This variant was not reported in ExAC and gnomAD databases. This variant was classified as likely pathogenic according to the ACMG Guidelines and predicted to be disease causing by in silico analysis such as MutationTaster.

NM_021625.5(TRPV4):c.2391G>C (p.Glu797Asp)

Gene: TRPV4 (transient receptor potential cation channel subfamily V member 4; minus strand). Cytogenetic location: 12q24.11.
Variant type: single nucleotide variant.
Coding change: c.2391G>C on transcript NM_021625.5 (MANE Select); coding-DNA position 2391, G replaced by C.
Protein change: p.Glu797Asp; replaces glutamic acid 797 with aspartic acid.
Molecular consequence: missense variant.
Genome position (GRCh38, 1-based): chr12:109,784,383, C>G on the plus strand (G>C on the coding strand, the complement: TRPV4 is on the minus strand). VCF-style: chr12-109784383-C-G. GRCh37 (hg19) VCF-style: chr12-110222188-C-G.
Other names: c.2250G>C, p.Glu750Asp (NM_001177428.2); c.2289G>C, p.Glu763Asp (NM_001177431.2); c.2070G>C, p.Glu690Asp (NM_001177433.2); c.2211G>C, p.Glu737Asp (NM_147204.3); short protein forms E690D, E737D, E763D, E797D, E750D.
Identifiers: ClinVar variation 834081 (VCV000834081.3), dbSNP rs781358829, ClinGen allele CA386648822.